The following is an entry in ClinVar:

NM_003718.5(CDK13):c.132G>A (p.Leu44=)

Gene: CDK13 (cyclin dependent kinase 13; plus strand). Cytogenetic location: 7p14.1.
Variant type: single nucleotide variant.
Coding change: c.132G>A on transcript NM_003718.5 (MANE Select); coding-DNA position 132, G replaced by A.
Protein change: p.Leu44=; no amino-acid change (leucine 44 retained).
Molecular consequence: synonymous variant.
Genome position (GRCh38, 1-based): chr7:39,950,773, G>A. VCF-style: chr7-39950773-G-A. GRCh37 (hg19) VCF-style: chr7-39990372-G-A.
Other names: c.132G>A, p.Leu44= (NM_031267.4).
Identifiers: ClinVar variation 3771502 (VCV003771502.13).

ClinVar aggregate classification (germline): Likely benign (1 of 4 stars; one submission).

gnomAD v4.1: 4 of 1,474,962 alleles (0.00027%); highest among the groups gnomAD compares: South Asian, 0.0013%; no homozygotes.

Submission:

CeGaT Center for Human Genetics Tuebingen
Classification: Likely benign. Last evaluated: 2025-02-01. Review status: criteria provided, single submitter. Criteria: CeGaT Center For Human Genetics Tuebingen Variant Classification Criteria Version 2. Collection method: clinical testing. Allele origin: germline. Affected: yes. Observed: 1 variant allele.
Comment: CDK13: BP4, BP7